The following is an entry in ClinVar:

NM_000051.4(ATM):c.2277dup (p.Ile760fs)

Gene: ATM (ATM serine/threonine kinase; plus strand). Cytogenetic location: 11q22.3.
Variant type: Duplication.
Coding change: c.2277dup on transcript NM_000051.4 (MANE Select); coding-DNA position 2277, one base duplicated (T; older notation c.2277dupT).
Protein change: p.Ile760fs; shifts the reading frame from isoleucine 760.
Molecular consequence: frameshift variant.
Genome position (GRCh38, 1-based): chr11:108,257,507, T duplicated. VCF-style (leftmost placement, unchanged base first): chr11-108257506-G-GT. GRCh37 (hg19) VCF-style: chr11-108128233-G-GT.
Other names: c.2277dup, p.Ile760fs (NM_001351834.2); short protein forms I760fs.
Identifiers: ClinVar variation 3721968 (VCV003721968.2).

ClinVar aggregate classification (germline): Pathogenic (1 of 4 stars; one submission).

Conditions:
Ataxia-telangiectasia syndrome (AT). Also called: ATAXIA-TELANGIECTASIA, COMPLEMENTATION GROUP A; ATAXIA-TELANGIECTASIA, FRESNO VARIANT; Ataxia-telangiectasia; Ataxia-telangiectasia, complementation group E; Ataxia telangiectasia (A-T); LOUIS-BAR SYNDROME. Identifiers: Orphanet 100, MedGen C0004135, MONDO:0008840, OMIM 208900.

Submission:

Labcorp Genetics (formerly Invitae), Labcorp
Classification: Pathogenic for Ataxia-telangiectasia syndrome. Last evaluated: 2024-10-01. Review status: criteria provided, single submitter. Criteria: Invitae Variant Classification Sherloc (09022015). Collection method: clinical testing. Allele origin: germline.
Comment: This sequence change creates a premature translational stop signal (p.Ile760Tyrfs*5) in the ATM gene. It is expected to result in an absent or disrupted protein product. Loss-of-function variants in ATM are known to be pathogenic (PMID: 23807571, 25614872). This variant is not present in population databases (gnomAD no frequency). This variant has not been reported in the literature in individuals affected with ATM-related conditions. For these reasons, this variant has been classified as Pathogenic.

Literature cited by the submitters: PubMed 23807571; PubMed 25614872.